The following is an entry in ClinVar:

ClinVar aggregate classification (germline): Uncertain significance (1 of 4 stars; one submission).

Conditions:
Epilepsy, familial adult myoclonic, 5 (EPEO5). Also called: CORTICAL MYOCLONIC TREMOR WITH EPILEPSY, FAMILIAL, 5. Identifiers: Orphanet 86814, MedGen C3809374, MONDO:0014167, OMIM 615400.

Submission:

Labcorp Genetics (formerly Invitae), Labcorp
Classification: Uncertain significance for Epilepsy, familial adult myoclonic, 5. Last evaluated: 2022-03-29. Review status: criteria provided, single submitter. Criteria: Invitae Variant Classification Sherloc (09022015). Collection method: clinical testing. Allele origin: germline.
Comment: A copy number gain of the genomic region encompassing the full coding sequence of the CNTN2 gene has been identified. The boundaries of this event are unknown as they extend beyond the assayed region for this gene and therefore may encompass additional genes. As the precise location of this event is unknown, it may be in tandem or it may be located elsewhere in the genome. This variant has not been reported in the literature in individuals affected with CNTN2-related conditions. In summary, the available evidence is currently insufficient to determine the role of this variant in disease. Therefore, it has been classified as a Variant of Uncertain Significance.

NC_000001.10:g.(?_200522516)_(206945780_?)dup

Genes: ADIPOR1 (adiponectin receptor 1; minus strand), ADORA1 (adenosine A1 receptor; plus strand), ARL8A (ARF like GTPase 8A; minus strand), ASCL5 (achaete-scute family bHLH transcription factor 5; minus strand), ATP2B4 (ATPase plasma membrane Ca2+ transporting 4; plus strand) and 87 more. Cytogenetic location: 1q32.1.
Variant type: Duplication.
Identifiers: ClinVar variation 2425293 (VCV002425293.3).